The following is an entry in ClinVar:

ClinVar aggregate classification (germline): Uncertain significance (1 of 4 stars; one submission).

Submission:

Labcorp Genetics (formerly Invitae), Labcorp
Classification: Uncertain significance. Last evaluated: 2020-11-02. Review status: criteria provided, single submitter. Criteria: Invitae Variant Classification Sherloc (09022015). Collection method: clinical testing. Allele origin: germline.
Comment: This sequence change replaces phenylalanine with serine at codon 658 of the SI protein (p.Phe658Ser). The phenylalanine residue is moderately conserved and there is a large physicochemical difference between phenylalanine and serine. This variant is not present in population databases (ExAC no frequency). This variant has not been reported in the literature in individuals with SI-related conditions. Advanced modeling of protein sequence and biophysical properties (such as structural, functional, and spatial information, amino acid conservation, physicochemical variation, residue mobility, and thermodynamic stability) performed at Invitae indicates that this missense variant is expected to disrupt SI protein function. In summary, the available evidence is currently insufficient to determine the role of this variant in disease. Therefore, it has been classified as a Variant of Uncertain Significance.

NM_001041.4(SI):c.1973T>C (p.Phe658Ser)

Gene: SI (sucrase-isomaltase; minus strand). Cytogenetic location: 3q26.1.
Variant type: single nucleotide variant.
Coding change: c.1973T>C on transcript NM_001041.4 (MANE Select); coding-DNA position 1973, T replaced by C.
Protein change: p.Phe658Ser; replaces phenylalanine 658 with serine.
Molecular consequence: missense variant.
Genome position (GRCh38, 1-based): chr3:165,043,090, A>G on the plus strand (T>C on the coding strand, the complement: SI is on the minus strand). VCF-style: chr3-165043090-A-G. GRCh37 (hg19) VCF-style: chr3-164760878-A-G.
Other names: short protein forms F658S.
Identifiers: ClinVar variation 1386157 (VCV001386157.8), dbSNP rs2108222701, ClinGen allele CA355050864.